The following is an entry in ClinVar:

NM_000433.4(NCF2):c.714-2A>G

Gene: NCF2 (neutrophil cytosolic factor 2; minus strand). Cytogenetic location: 1q25.3.
Variant type: single nucleotide variant.
Coding change: c.714-2A>G on transcript NM_000433.4 (MANE Select); the canonical splice acceptor site of the intron before coding-DNA position 714, A replaced by G.
Molecular consequence: splice acceptor variant.
Genome position (GRCh38, 1-based): chr1:183,567,347, T>C on the plus strand (A>G on the coding strand, the complement: NCF2 is on the minus strand). VCF-style: chr1-183567347-T-C. GRCh37 (hg19) VCF-style: chr1-183536482-T-C.
Other names: c.606-2A>G (NM_001410895.1); c.714-2A>G (NM_001127651.3); c.471-2A>G (NM_001190789.2); c.579-2A>G (NM_001190794.2).
Identifiers: ClinVar variation 2855018 (VCV002855018.5), dbSNP rs2527930725, ClinGen allele CA343672974.

ClinVar aggregate classification (germline): Likely pathogenic. Review status: criteria provided, multiple submitters, no conflicts (2 of 4 stars). 2 submissions from 2 submitters: Likely pathogenic (2). Last evaluated 2024-06-11.

Conditions:
Granulomatous disease, chronic, autosomal recessive, cytochrome b-positive, type 2. Also called: CGD, AUTOSOMAL RECESSIVE CYTOCHROME b-POSITIVE, TYPE II; GRANULOMATOUS DISEASE, CHRONIC, DUE TO NCF2 DEFICIENCY; Chronic granulomatous disease due to deficiency of NCF-2; GRANULOMATOUS DISEASE, CHRONIC, AUTOSOMAL RECESSIVE, 2; Chronic Granulomatous Disease, Autosomal Recessive, Cytochrome b-Positive, Type II. Identifiers: Orphanet 379, MedGen C1856245, MONDO:0009310, OMIM 233710.

Submissions (2):

Fulgent Genetics
Classification: Likely pathogenic for Granulomatous disease, chronic, autosomal recessive, cytochrome b-positive, type 2. Last evaluated: 2024-06-11. Review status: criteria provided, single submitter. Criteria: ACMG Guidelines, 2015. Collection method: clinical testing. Allele origin: germline.

Labcorp Genetics (formerly Invitae), Labcorp
Classification: Likely pathogenic for Granulomatous disease, chronic, autosomal recessive, cytochrome b-positive, type 2. Last evaluated: 2023-04-11. Review status: criteria provided, single submitter. Criteria: Invitae Variant Classification Sherloc (09022015). Collection method: clinical testing. Allele origin: germline.
Comment: In summary, the currently available evidence indicates that the variant is pathogenic, but additional data are needed to prove that conclusively. Therefore, this variant has been classified as Likely Pathogenic. Algorithms developed to predict the effect of sequence changes on RNA splicing suggest that this variant may disrupt the consensus splice site. This variant has not been reported in the literature in individuals affected with NCF2-related conditions. This variant is not present in population databases (gnomAD no frequency). This sequence change affects an acceptor splice site in intron 7 of the NCF2 gene. It is expected to disrupt RNA splicing. Variants that disrupt the donor or acceptor splice site typically lead to a loss of protein function (PMID: 16199547), and loss-of-function variants in NCF2 are known to be pathogenic (PMID: 10498624, 20167518).

Literature cited by the submitters: PubMed 16199547 (cited by Labcorp Genetics (formerly Invitae), Labcorp); PubMed 10498624 (cited by Labcorp Genetics (formerly Invitae), Labcorp); PubMed 20167518 (cited by Labcorp Genetics (formerly Invitae), Labcorp).